The following is an entry in ClinVar:

NM_133433.4(NIPBL):c.771C>T (p.Asp257=)

Gene: NIPBL (NIPBL cohesin loading factor; plus strand). Cytogenetic location: 5p13.2.
Variant type: single nucleotide variant.
Coding change: c.771C>T on transcript NM_133433.4 (MANE Select); coding-DNA position 771, C replaced by T.
Protein change: p.Asp257=; no amino-acid change (aspartic acid 257 retained).
Molecular consequence: synonymous variant.
Genome position (GRCh38, 1-based): chr5:36,971,036, C>T. VCF-style: chr5-36971036-C-T. GRCh37 (hg19) VCF-style: chr5-36971138-C-T.
Other names: c.771C>T, p.Asp257= (NM_015384.5).
Identifiers: ClinVar variation 1760296 (VCV001760296.5), dbSNP rs771594948, ClinGen allele CA3235909.
Genomic context (GRCh38, chr5:36,971,036, plus strand): 5'-TAATCCTAGACATGGTTCAAGTGAGGACTACCTACACATGGTGCACAGGCTAAGTAGTGA[C>T]GTATGTAATATATTATCATTAAGGTGATAAAATAGTTCTAATATTTGTCATATAACCTAG-3'
Protein context (NP_597677.2, residues 247-267): YLHMVHRLSS[Asp257=]DGDSSTMRNA

ClinVar aggregate classification (germline): Conflicting classifications of pathogenicity. Review status: criteria provided, conflicting classifications (1 of 4 stars). 2 submissions from 2 submitters: Uncertain significance (1); Likely benign (1). Last evaluated 2023-04-18.

Conditions:
Cornelia de Lange syndrome 1 (CDLS1). Also called: TYPUS DEGENERATIVUS AMSTELODAMENSIS; Brachmann de Lange syndrome; NIPBL-Related Cornelia de Lange Syndrome. Identifiers: Orphanet 199, MedGen C4551851, MONDO:0007387, OMIM 122470.
Inborn genetic diseases. Identifiers: MedGen C0950123, MeSH D030342.

Allele frequency attached by ClinVar (database versions not stated): gnomAD 0.00001; gnomAD exomes 0.00001; TOPMed 0.00002; ExAC 0.00003.
gnomAD v4.1: 19 of 1,608,034 alleles (0.0012%); highest among the groups gnomAD compares: Middle Eastern, 0.016%; no homozygotes.

Submissions (2):

Labcorp Genetics (formerly Invitae), Labcorp
Classification: Uncertain significance for Cornelia de Lange syndrome 1. Last evaluated: 2023-04-18. Review status: criteria provided, single submitter. Criteria: Invitae Variant Classification Sherloc (09022015). Collection method: clinical testing. Allele origin: germline.
Comment: In summary, the available evidence is currently insufficient to determine the role of this variant in disease. Therefore, it has been classified as a Variant of Uncertain Significance. This sequence change affects codon 257 of the NIPBL mRNA. It is a 'silent' change, meaning that it does not change the encoded amino acid sequence of the NIPBL protein. It affects a nucleotide within the consensus splice site. This variant is present in population databases (rs771594948, gnomAD 0.01%). This variant has not been reported in the literature in individuals affected with NIPBL-related conditions. ClinVar contains an entry for this variant (Variation ID: 1760296). Algorithms developed to predict the effect of sequence changes on RNA splicing suggest that this variant is not likely to affect RNA splicing.

Ambry Genetics
Classification: Likely benign for Inborn genetic diseases. Last evaluated: 2018-11-16. Review status: criteria provided, single submitter. Criteria: Ambry Variant Classification Scheme 2023. Collection method: clinical testing. Allele origin: germline.